The following is an entry in ClinVar:

ClinVar aggregate classification (germline): Uncertain significance (1 of 4 stars; one submission).

Conditions:
Ehlers-Danlos syndrome, classic type, 1 (EDSCL1). Also called: EHLERS-DANLOS SYNDROME, GRAVIS TYPE; EHLERS-DANLOS SYNDROME, SEVERE CLASSIC TYPE; Ehlers-Danlos syndrome, type 1; Ehlers-Danlos Syndrome, Classic Type, COL5A1-Related; EDS I. Identifiers: MedGen C0268335, MONDO:0019567, OMIM 130000.

Submission:

Labcorp Genetics (formerly Invitae), Labcorp
Classification: Uncertain significance for Ehlers-Danlos syndrome, classic type, 1. Last evaluated: 2024-12-30. Review status: criteria provided, single submitter. Criteria: Invitae Variant Classification Sherloc (09022015). Collection method: clinical testing. Allele origin: germline.
Comment: This sequence change falls in intron 6 of the COL5A1 gene. It does not directly change the encoded amino acid sequence of the COL5A1 protein. It affects a nucleotide within the consensus splice site. This variant is not present in population databases (gnomAD no frequency). This variant has not been reported in the literature in individuals affected with COL5A1-related conditions. Variants that disrupt the consensus splice site are a relatively common cause of aberrant splicing (PMID: 17576681, 9536098). Algorithms developed to predict the effect of sequence changes on RNA splicing suggest that this variant is not likely to affect RNA splicing. In summary, the available evidence is currently insufficient to determine the role of this variant in disease. Therefore, it has been classified as a Variant of Uncertain Significance.

Literature cited by the submitters: PubMed 17576681; PubMed 9536098.

NM_000093.5(COL5A1):c.924+4T>C

Gene: COL5A1 (collagen type V alpha 1 chain; plus strand). Cytogenetic location: 9q34.3.
Variant type: single nucleotide variant.
Coding change: c.924+4T>C on transcript NM_000093.5 (MANE Select); 4 bases into the intron after coding-DNA position 924, T replaced by C.
Molecular consequence: intron variant.
Genome position (GRCh38, 1-based): chr9:134,728,811, T>C. VCF-style: chr9-134728811-T-C. GRCh37 (hg19) VCF-style: chr9-137620657-T-C.
Other names: c.924+4T>C (NM_001278074.1).
Identifiers: ClinVar variation 3728279 (VCV003728279.2).
Genomic context (GRCh38, chr9:134,728,811, plus strand): 5'-CCCACCCCCAGCAAGAAGCCCGTGGAAGCTGCCAAAGAAACCACAGAGGTCCCCGAGGTC[T>C]GGGCTGAGCGGGGGACTGGGTTGGGCTGGGCCCCTCGAGGCCATGGTGCAGGGGAGGGCG-3'